The following is an entry in ClinVar:

NM_139343.3(BIN1):c.1696G>T (p.Val566Leu)

Gene: BIN1 (bridging integrator 1; minus strand). Cytogenetic location: 2q14.3.
Variant type: single nucleotide variant.
Coding change: c.1696G>T on transcript NM_139343.3 (MANE Select); coding-DNA position 1696, G replaced by T.
Protein change: p.Val566Leu; replaces valine 566 with leucine.
Molecular consequence: missense variant.
Genome position (GRCh38, 1-based): chr2:127,048,612, C>A on the plus strand (G>T on the coding strand, the complement: BIN1 is on the minus strand). VCF-style: chr2-127048612-C-A. GRCh37 (hg19) VCF-style: chr2-127806188-C-A.
Other names: c.1144G>T, p.Val382Leu (NM_139351.3); c.1234G>T, p.Val412Leu (NM_139350.3); c.1189G>T, p.Val397Leu (NM_001320632.2); c.1327G>T, p.Val443Leu (NM_001320633.2); c.1072G>T, p.Val358Leu (NM_001320634.1); c.1456G>T, p.Val486Leu (NM_001320640.2); c.1603G>T, p.Val535Leu (NM_001320641.2); c.1615G>T, p.Val539Leu (NM_001320642.1); and 7 more; short protein forms V443L, V448L, V455L, V486L, V397L, V427L, V491L, V523L.
Identifiers: ClinVar variation 1041563 (VCV001041563.10), dbSNP rs761759946, ClinGen allele CA348373676.

ClinVar aggregate classification (germline): Uncertain significance (1 of 4 stars; one submission).

Conditions:
Myopathy, centronuclear, 2 (CNM2). Also called: MYOTUBULAR MYOPATHY, AUTOSOMAL RECESSIVE. Identifiers: Orphanet 169186, MedGen CN031787, MONDO:0009709, OMIM 255200.

Submission:

Labcorp Genetics (formerly Invitae), Labcorp
Classification: Uncertain significance for Myopathy, centronuclear, 2. Last evaluated: 2025-10-01. Review status: criteria provided, single submitter. Criteria: Invitae Variant Classification Sherloc (09022015). Collection method: clinical testing. Allele origin: germline.
Comment: This sequence change replaces valine, which is neutral and non-polar, with leucine, which is neutral and non-polar, at codon 566 of the BIN1 protein (p.Val566Leu). This variant is not present in population databases (gnomAD no frequency). This variant has not been reported in the literature in individuals affected with BIN1-related conditions. ClinVar contains an entry for this variant (Variation ID: 1041563). Invitae Evidence Modeling of protein sequence and biophysical properties (such as structural, functional, and spatial information, amino acid conservation, physicochemical variation, residue mobility, and thermodynamic stability) indicates that this missense variant is not expected to disrupt BIN1 protein function with a negative predictive value of 80%. In summary, the available evidence is currently insufficient to determine the role of this variant in disease. Therefore, it has been classified as a Variant of Uncertain Significance.